The following is an entry in ClinVar:

NM_015559.3(SETBP1):c.4701_4715dup (p.Pro1572_Leu1573insProProGlnGlnPro)

Gene: SETBP1 (SET binding protein 1; plus strand). Cytogenetic location: 18q12.3.
Variant type: Duplication.
Coding change: c.4701_4715dup on transcript NM_015559.3 (MANE Select); coding-DNA positions 4701 to 4715, 15 bases duplicated (GCCCCCGCAGCAGCC).
Protein change: p.Pro1572_Leu1573insProProGlnGlnPro.
Genome position (GRCh38, 1-based): chr18:45,063,608-45,063,622, GCCCCCGCAGCAGCC duplicated; duplicating any 15 consecutive bases within chr18:45,063,607-45,063,622 gives the same sequence; the c. name uses the placement nearest the transcript's 3' end. VCF-style (leftmost placement, unchanged base first): chr18-45063606-T-TCGCCCCCGCAGCAGC. GRCh37 (hg19) VCF-style: chr18-42643571-T-TCGCCCCCGCAGCAGC.
Other names: c.4701_4715dup, p.Pro1572_Leu1573insProProGlnGlnPro (NM_001379141.1, NM_001379142.1); c.4530_4544dup, p.Pro1515_Leu1516insProProGlnGlnPro (NM_001410862.1).
Identifiers: ClinVar variation 4763789 (VCV004763789.1).

ClinVar aggregate classification (germline): Uncertain significance (1 of 4 stars; one submission).

Submission:

Labcorp Genetics (formerly Invitae), Labcorp
Classification: Uncertain significance. Last evaluated: 2025-06-10. Review status: criteria provided, single submitter. Criteria: Invitae Variant Classification Sherloc (09022015). Collection method: clinical testing. Allele origin: germline.
Comment: This variant, c.4701_4715dup, results in the insertion of 5 amino acid(s) of the SETBP1 protein (p.Pro1568_Pro1572dup), but otherwise preserves the integrity of the reading frame. This variant is not present in population databases (gnomAD no frequency). This variant has not been reported in the literature in individuals affected with SETBP1-related conditions. In summary, the available evidence is currently insufficient to determine the role of this variant in disease. Therefore, it has been classified as a Variant of Uncertain Significance.